The following is an entry in ClinVar:

NM_207122.2(EXT2):c.431C>T (p.Thr144Ile)

Gene: EXT2 (exostosin glycosyltransferase 2; plus strand). Cytogenetic location: 11p11.2.
Variant type: single nucleotide variant.
Coding change: c.431C>T on transcript NM_207122.2 (MANE Select); coding-DNA position 431, C replaced by T.
Protein change: p.Thr144Ile; replaces threonine 144 with isoleucine.
Molecular consequence: missense variant.
Genome position (GRCh38, 1-based): chr11:44,108,143, C>T. VCF-style: chr11-44108143-C-T. GRCh37 (hg19) VCF-style: chr11-44129693-C-T.
Other names: c.530C>T, p.Thr177Ile (NM_000401.3); c.431C>T, p.Thr144Ile (NM_001178083.3, NM_001389628.1, NM_001389630.1); short protein forms T144I, T177I.
Identifiers: ClinVar variation 3630096 (VCV003630096.2).

ClinVar aggregate classification (germline): Uncertain significance (1 of 4 stars; one submission).

Conditions:
Exostoses, multiple, type 2 (EXT2). Also called: Hereditary Multiple Osteochondromatosis, Type II; EXOSTOSES, MULTIPLE, TYPE II. Identifiers: Orphanet 321, MedGen C1851413, MONDO:0007586, OMIM 133701.

gnomAD v4.1: 4 of 1,614,206 alleles (0.00025%); highest among the groups gnomAD compares: Non-Finnish European, 0.00034%; no homozygotes.

Submission:

Labcorp Genetics (formerly Invitae), Labcorp
Classification: Uncertain significance for Exostoses, multiple, type 2. Last evaluated: 2025-10-23. Review status: criteria provided, single submitter. Criteria: Invitae Variant Classification Sherloc (09022015). Collection method: clinical testing. Allele origin: germline.
Comment: This sequence change replaces threonine, which is neutral and polar, with isoleucine, which is neutral and non-polar, at codon 144 of the EXT2 protein (p.Thr144Ile). This variant is not present in population databases (gnomAD no frequency). This variant has not been reported in the literature in individuals affected with EXT2-related conditions. ClinVar contains an entry for this variant (Variation ID: 3630096). Invitae Evidence Modeling of protein sequence and biophysical properties (such as structural, functional, and spatial information, amino acid conservation, physicochemical variation, residue mobility, and thermodynamic stability) has been performed for this missense variant. However, the output from this modeling did not meet the statistical confidence thresholds required to predict the impact of this variant on EXT2 protein function. In summary, the available evidence is currently insufficient to determine the role of this variant in disease. Therefore, it has been classified as a Variant of Uncertain Significance.